The following is an entry in ClinVar:

NM_000368.5(TSC1):c.492G>T (p.Trp164Cys)

Gene: TSC1 (TSC complex subunit 1; minus strand). Cytogenetic location: 9q34.13.
Variant type: single nucleotide variant.
Coding change: c.492G>T on transcript NM_000368.5 (MANE Select); coding-DNA position 492, G replaced by T.
Protein change: p.Trp164Cys; replaces tryptophan 164 with cysteine.
Molecular consequence: missense variant.
Genome position (GRCh38, 1-based): chr9:132,923,364, C>A on the plus strand (G>T on the coding strand, the complement: TSC1 is on the minus strand). VCF-style: chr9-132923364-C-A. GRCh37 (hg19) VCF-style: chr9-135798751-C-A.
Other names: c.492G>T, p.Trp164Cys (NM_001162426.2); c.339G>T, p.Trp113Cys (NM_001162427.2); c.129G>T, p.Trp43Cys (NM_001362177.2); short protein forms W113C, W164C, W43C.
Identifiers: ClinVar variation 825300 (VCV000825300.5), dbSNP rs1554819870, ClinGen allele CA375373166.
Genomic context (GRCh38, chr9:132,923,364, plus strand): 5'-CATTCACCTCACAGGGCCCAACAGGTATATGAGGAGATCTGTACCTGGTTTCTTCAGGCA[C>A]CATGATGACAGACGGCCAAAAATGTCAAAGAAATCAAGAAGATGCTGTTTCCCAGACTGT-3'
Protein context (NP_000359.1, residues 154-174): FFDIFGRLSS[Trp164Cys]CLKKPGHVAE

ClinVar aggregate classification (germline): Uncertain significance (1 of 4 stars; one submission).

Conditions:
Hereditary cancer-predisposing syndrome. Also called: Tumor predisposition; Neoplastic Syndromes, Hereditary; Hereditary neoplastic syndrome; Hereditary Cancer Syndrome. Identifiers: Orphanet 140162, MedGen C0027672, MeSH D009386, MONDO:0015356.

Submission:

Ambry Genetics
Classification: Uncertain significance for Hereditary cancer-predisposing syndrome. Last evaluated: 2026-05-07. Review status: criteria provided, single submitter. Criteria: Ambry Variant Classification Scheme 2023. Collection method: clinical testing. Allele origin: germline.
Comment: The p.W164C variant (also known as c.492G>T), located in coding exon 4 of the TSC1 gene, results from a G to T substitution at nucleotide position 492. The tryptophan at codon 164 is replaced by cysteine, an amino acid with highly dissimilar properties. This amino acid position is highly conserved in available vertebrate species. In addition, this alteration is predicted to be deleterious by in silico analysis. Based on the available evidence, the clinical significance of this variant remains unclear.